The following is an entry in ClinVar:

ClinVar aggregate classification (germline): Uncertain significance. Review status: criteria provided, multiple submitters, no conflicts (2 of 4 stars). 4 submissions from 4 submitters: Uncertain significance (4). Last evaluated 2026-08-31.

Conditions:
BBS9-related disorder. Also called: BBS9-related condition.
Bardet-Biedl syndrome 9 (BBS9). Identifiers: Orphanet 110, MedGen C1859567, MONDO:0014437, OMIM 615986.
Bardet-Biedl syndrome (BBS). Identifiers: Orphanet 110, MedGen C0752166, MONDO:0015229.

Allele frequency attached by ClinVar (database versions not stated): ExAC 0.00003; gnomAD 0.00003 and 0.00004; TOPMed 0.00003; gnomAD exomes 0.00004 and 0.00013; ESP Exome Variant Server 0.00008.
gnomAD v4.1: 204 of 1,613,362 alleles (0.013%); highest among the groups gnomAD compares: Non-Finnish European, 0.016%; no homozygotes.

Submissions (4):

PreventionGenetics, part of Exact Sciences
Classification: Uncertain significance for BBS9-related condition. Last evaluated: 2026-08-31. Review status: criteria provided, single submitter. Criteria: ACMG Guidelines, 2015. Collection method: clinical testing. Allele origin: germline.
Comment: The BBS9 c.974A>G variant is predicted to result in the amino acid substitution p.Gln325Arg. This variant was described in an individual with suspected Bardet-Biedl syndrome; however, no additional information was presented to help assess pathogenicity (Chou et al. 2019. PubMed ID: 31303482, supplementary data). This variant is reported in 0.0085% of alleles in individuals of European (Non-Finnish) descent in gnomAD. At this time, the clinical significance of this variant is uncertain due to the absence of conclusive functional and genetic evidence.

Blueprint Genetics
Classification: Uncertain significance. Last evaluated: 2023-12-05. Review status: criteria provided, single submitter. Criteria: ACMG Guidelines, 2015. Collection method: clinical testing. Allele origin: germline.

Labcorp Genetics (formerly Invitae), Labcorp
Classification: Uncertain significance for Bardet-Biedl syndrome. Last evaluated: 2022-08-06. Review status: criteria provided, single submitter. Criteria: Invitae Variant Classification Sherloc (09022015). Collection method: clinical testing. Allele origin: germline.
Comment: This sequence change replaces glutamine, which is neutral and polar, with arginine, which is basic and polar, at codon 325 of the BBS9 protein (p.Gln325Arg). This variant is present in population databases (rs377207430, gnomAD 0.009%). This variant has not been reported in the literature in individuals affected with BBS9-related conditions. ClinVar contains an entry for this variant (Variation ID: 857280). Algorithms developed to predict the effect of missense changes on protein structure and function (SIFT, PolyPhen-2, Align-GVGD) all suggest that this variant is likely to be disruptive. In summary, the available evidence is currently insufficient to determine the role of this variant in disease. Therefore, it has been classified as a Variant of Uncertain Significance.

Illumina Laboratory Services, Illumina
Classification: Uncertain significance for Bardet-Biedl syndrome 9. Last evaluated: 2018-01-12. Review status: criteria provided, single submitter. Criteria: ICSL Variant Classification Criteria 13 December 2019. Collection method: clinical testing. Allele origin: germline.

NM_198428.3(BBS9):c.974A>G (p.Gln325Arg)

Gene: BBS9 (Bardet-Biedl syndrome 9; plus strand). Cytogenetic location: 7p14.3.
Variant type: single nucleotide variant.
Coding change: c.974A>G on transcript NM_198428.3 (MANE Select); coding-DNA position 974, A replaced by G.
Protein change: p.Gln325Arg; replaces glutamine 325 with arginine.
Molecular consequence: missense variant. On other transcripts: non-coding transcript variant (3).
Genome position (GRCh38, 1-based): chr7:33,273,914, A>G. VCF-style: chr7-33273914-A-G. GRCh37 (hg19) VCF-style: chr7-33313526-A-G.
Other names: c.974A>G, p.Gln325Arg (NM_001033604.2, NM_001033605.2, NM_001348036.1 and 5 more transcripts); c.608A>G, p.Gln203Arg (NM_001348037.3, NM_001348044.3, NM_001348045.3 and 1 more transcripts); c.701A>G, p.Gln234Arg (NM_001348038.3, NM_001348039.3); c.839A>G, p.Gln280Arg (NM_001348042.3); short protein forms Q203R, Q325R, Q234R, Q280R.
Identifiers: ClinVar variation 857280 (VCV000857280.12), dbSNP rs377207430, ClinGen allele CA4214153.